The following is an entry in ClinVar:

NM_001177316.2(SLC34A3):c.756G>A (p.Gln252=)

Gene: SLC34A3 (solute carrier family 34 member 3; plus strand). Cytogenetic location: 9q34.3.
Variant type: single nucleotide variant.
Coding change: c.756G>A on transcript NM_001177316.2 (MANE Select); coding-DNA position 756, G replaced by A.
Protein change: p.Gln252=; no amino-acid change (glutamine 252 retained).
Molecular consequence: synonymous variant.
Genome position (GRCh38, 1-based): chr9:137,233,404, G>A. VCF-style: chr9-137233404-G-A. GRCh37 (hg19) VCF-style: chr9-140127856-G-A.
Other names: Q252Q; c.756G>A, p.Gln252= (NM_001177317.2, NM_080877.3); c.756G>A (NM_001177316.1).
Identifiers: ClinVar variation 1434 (VCV000001434.49), dbSNP rs121918239, ClinGen allele CA115018.

ClinVar aggregate classification (germline): Conflicting classifications of pathogenicity. Review status: criteria provided, conflicting classifications (1 of 4 stars). 12 submissions from 12 submitters: Likely pathogenic (1); Uncertain significance (6); Benign (1); Likely benign (2). 2 of the submissions do not count toward it. Last evaluated 2026-06-24.

Conditions:
SLC34A3-related disorder. Also called: SLC34A3-related condition.
Autosomal recessive hypophosphatemic bone disease (HHRH). Also called: Hypophosphatemic rickets with hypercalciuria; HYPERCALCIURIC RICKETS. Identifiers: Orphanet 157215, MedGen C1853271, MONDO:0009431, OMIM 241530.

Allele frequency attached by ClinVar (database versions not stated): TOPMed 0.00125; gnomAD 0.00149 and 0.00166; 1000 Genomes Project 0.00180; 1000 Genomes Project 30x 0.00187; ExAC 0.00417.
gnomAD v4.1: 3,713 of 1,600,354 alleles (0.23%); highest among the groups gnomAD compares: South Asian, 0.77%; 14 homozygotes.

Submissions 1 to 9 of 14:

PreventionGenetics, part of Exact Sciences
Classification: Uncertain significance for SLC34A3-related condition. Last evaluated: 2026-06-24. Review status: criteria provided, single submitter. Criteria: ACMG Guidelines, 2015. Collection method: clinical testing. Allele origin: germline.
Comment: The SLC34A3 c.756G>A variant is not predicted to result in an amino acid change (p.=). This variant occurs at the last nucleotide position of exon seven and, based on available splicing prediction programs, is predicted to impact splicing (SpliceAI, Jaganathan et al. 2019. PubMed ID: 30661751). However, the use of computer prediction programs is not equivalent to functional evidence. This variant has been reported in both the homozygous state and with an additional variant in the SLC34A3 gene in patients with hereditary hypophosphatemic rickets with hypercalciuria (HHRH, Ichikawa et al. 2006. PubMed ID: 16849419; Hureaux et al 2019. PubMed ID: 31672324; Vaisitti et al. 2020. PubMed ID: 33226606; Karakilic-Ozturan et al. 2022. PubMed ID: 36699160). However, multiple patients had potential alternative genetic explanations for their phenotype (Vaisitti et al. 2020. PubMed ID: 33226606; Stürznickel et al. 2022. PubMed ID: 35689455; Table S3, Cogal et al. 2025. PubMed ID: 40794449). This variant is reported in 0.73% of alleles in individuals of South Asian descent in gnomAD. In gnomAD v4 (available only on GRCh38), this variant is reported in 0.77% of alleles in a subpopulation, including 14 homozygotes. This population data is not consistent with this variant being a primary cause of disease. This variant has conflicting interpretations by other submitting laboratories to the ClinVar database ranging from benign to likely pathogenic (Variation ID: 1434). Although we suspect that this variant may be a benign, the clinical significance of this variant is uncertain due to the absence of conclusive functional and genetic evidence.

CeGaT Center for Human Genetics Tuebingen
Classification: Likely benign. Last evaluated: 2026-05-01. Review status: criteria provided, single submitter. Criteria: CeGaT Center For Human Genetics Tuebingen Variant Classification Criteria Version 2. Collection method: clinical testing. Allele origin: germline. Affected: yes. Observed: 4 variant alleles.
Comment: SLC34A3: PP3, BS2

Labcorp Genetics (formerly Invitae), Labcorp
Classification: Benign. Last evaluated: 2026-02-01. Review status: criteria provided, single submitter. Criteria: Invitae Variant Classification Sherloc (09022015). Collection method: clinical testing. Allele origin: germline.

GeneDx
Classification: Uncertain significance. Last evaluated: 2025-12-31. Review status: criteria provided, single submitter. Criteria: GeneDx Variant Classification Process June 2021. Collection method: clinical testing. Allele origin: germline. Affected: yes.
Comment: Reported in association with hypophosphatemic rickets in published literature (PMID: 36699160, 16849419, 35689455); Alters the last nucleotide of the exon and is predicted to destroy the splice donor site and result in aberrant splicing; This variant is associated with the following publications: (PMID: 34805638, 16358214, 34426522, 31589614, 31672324, 33716164, 33226606, 33852231, 36699160, 35689455, 39700445, 16849419)

Rare Kidney Stone Consortium and the Mayo Clinic Hyperoxaluria Center, Mayo Clinic
Classification: Likely pathogenic for Autosomal recessive hypophosphatemic bone disease. Last evaluated: 2025-10-03. Review status: criteria provided, single submitter. Criteria: ACMG Guidelines, 2015. Collection method: research. Allele origin: germline. Observed: 1 variant allele.

Blueprint Genetics
Classification: Uncertain significance. Last evaluated: 2024-11-19. Review status: criteria provided, single submitter. Criteria: ACMG Guidelines, 2015. Collection method: clinical testing. Allele origin: germline.

Women's Health and Genetics/Laboratory Corporation of America, LabCorp
Classification: Likely benign. Last evaluated: 2024-02-27. Review status: criteria provided, single submitter. Criteria: LabCorp Variant Classification Summary - May 2015. Collection method: clinical testing. Allele origin: germline.
Comment: Variant summary: SLC34A3 c.756G>A (p.Gln252Gln) alters a conserved nucleotide located close to a canonical splice site and therefore could affect mRNA splicing, leading to a significantly altered protein sequence. Several computational tools predict a significant impact on normal splicing: Three predict the variant weakens the canonical 5' donor site. One predict the variant abolishes the canonical 5' splicing donor site. However, these predictions have yet to be confirmed by functional studies. The variant allele was found at a frequency of 0.0024 in 216202 control chromosomes, predominantly at a frequency of 0.0073 within the South Asian subpopulation in the gnomAD database, including 2 homozygotes. The observed variant frequency within South Asian control individuals in the gnomAD database is approximately 4-fold of the estimated maximal expected allele frequency for a pathogenic variant in SLC34A3 causing Hereditary Hypophosphatemic Rickets With Hypercalciuria phenotype (0.0018), strongly suggesting that the variant is a benign polymorphism found primarily in populations of South Asian origin. c.756G>A has been reported in the literature in individuals affected with Hereditary Hypophosphatemic Rickets With Hypercalciuria and renal hypophosphatemia (example, Hureaux_2019, Ichikawa_2006, Karakilic-Ozturan_2023, Sturznickel_2022), without strong evidence for causality. These data do not allow any conclusion about variant significance. Co-occurrences with other pathogenic variant(s) have been reported (SLC34A3 c.586G>A, p.Gly196Arg at a homozygous state with the homozygous variant of interest in a patient with HHRH), providing supporting evidence for a benign role (Sturznickel_2022). To our knowledge, no experimental evidence demonstrating an impact on protein function has been reported. The following publications have been ascertained in the context of this evaluation (PMID: 31672324, 16849419, 36699160, 35689455). ClinVar contains an entry for this variant (Variation ID: 1434). Based on the evidence outlined above, the variant was classified as likely benign.

Victorian Clinical Genetics Services, Murdoch Childrens Research Institute
Classification: Uncertain significance for Autosomal recessive hypophosphatemic bone disease. Last evaluated: 2023-07-17. Review status: criteria provided, single submitter. Criteria: ACMG Guidelines, 2015. Collection method: clinical testing. Allele origin: germline. Inheritance: Autosomal recessive inheritance.
Comment: Based on the classification scheme VCGS_Germline_v1.3.4, this variant is classified as VUS-3B. Following criteria are met: 0102 - Loss of function is a known mechanism of disease in this gene and is associated with hypophosphatemic rickets with hypercalciuria (MIM#241530). (I) 0106 - This gene is associated with autosomal recessive disease. (I) 0115 - Variants in this gene are known to have variable expressivity. Approximately 45% of compound heterozygotes present with rickets (PMID: 32524022). (I) 0212 - Non-canonical splice site variant without proven consequence on splicing (no functional evidence available). The substitution affects the last nucleotide of exon 7. (SP) 0251 - This variant is heterozygous. (I) 0304 - Variant is present in gnomAD <0.01 for a recessive condition (v2: 558 heterozygotes, 2 homozygotes). (SP) 0508 - In silico predictions for abnormal splicing are conflicting. (I) 0604 - Variant is not located in an established domain, motif, hotspot or informative constraint region. (I) 0705 - No comparable non-canonical splice site variants have previous evidence for pathogenicity. (I) 0809 - Previous evidence of pathogenicity for this variant is inconclusive. However, only this gene was sequenced and RNA studies were not done to conclusively prove that this otherwise synonymous variant, leads to aberrant splicing (PMID: 16849419). This variant has also been reported in a kidney disease patient for whom another causative variant was identified (PMID: 33226606). (I) 0905 - No published segregation evidence has been identified for this variant. (I) 1007 - No published functional evidence has been identified for this variant. (I) Legend: (SP) - Supporting pathogenic, (I) - Information, (SB) - Supporting benign

Fulgent Genetics
Classification: Uncertain significance for Autosomal recessive hypophosphatemic bone disease. Last evaluated: 2022-04-16. Review status: criteria provided, single submitter. Criteria: ACMG Guidelines, 2015. Collection method: clinical testing. Allele origin: unknown.